The following is an entry in ClinVar:

NM_000077.5(CDKN2A):c.59C>G (p.Ala20Gly)

Gene: CDKN2A (cyclin dependent kinase inhibitor 2A; minus strand). Cytogenetic location: 9p21.3.
Variant type: single nucleotide variant.
Coding change: c.59C>G on transcript NM_000077.5; coding-DNA position 59, C replaced by G.
Protein change: p.Ala20Gly; replaces alanine 20 with glycine.
Molecular consequence: missense variant (on NM_000077.6). On other transcripts: intron variant (2).
Genome position (GRCh38, 1-based): chr9:21,974,769, G>C on the plus strand (C>G on the coding strand, the complement: CDKN2A is on the minus strand). VCF-style: chr9-21974769-G-C. GRCh37 (hg19) VCF-style: chr9-21974768-G-C.
Other names: c.59C>G, p.Ala20Gly (NM_000077.6, NM_001195132.2, NM_058197.5); c.-3-3561C>G (NM_001363763.2); c.194-3561C>G (NM_058195.4); short protein forms A20G.
Identifiers: ClinVar variation 220344 (VCV000220344.18), dbSNP rs864622484, ClinGen allele CA348672.

ClinVar aggregate classification (germline): Uncertain significance. Review status: criteria provided, multiple submitters, no conflicts (2 of 4 stars). 4 submissions from 4 submitters: Uncertain significance (4). Last evaluated 2026-01-06.

Conditions:
Hereditary cancer-predisposing syndrome. Also called: Tumor predisposition; Neoplastic Syndromes, Hereditary; Hereditary Cancer Syndrome; Hereditary neoplastic syndrome. Identifiers: Orphanet 140162, MedGen C0027672, MeSH D009386, MONDO:0015356.
Familial melanoma. Also called: Hereditary melanoma; Hereditary cutaneous melanoma. Identifiers: Orphanet 618, MedGen C1512419, MONDO:0018961.

Allele frequency attached by ClinVar (database versions not stated): gnomAD exomes below 0.00001.
gnomAD v4.1: 2 of 1,607,656 alleles (0.00012%); highest among the groups gnomAD compares: Non-Finnish European, 0.00017%; no homozygotes.

Submissions (4):

Labcorp Genetics (formerly Invitae), Labcorp
Classification: Uncertain significance for Familial melanoma. Last evaluated: 2026-01-06. Review status: criteria provided, single submitter. Criteria: Invitae Variant Classification Sherloc (09022015). Collection method: clinical testing. Allele origin: germline.
Comment: This sequence change replaces alanine, which is neutral and non-polar, with glycine, which is neutral and non-polar, at codon 20 of the CDKN2A (p16INK4a) protein (p.Ala20Gly). This variant is present in population databases (no rsID available, gnomAD 0.001%). This variant has not been reported in the literature in individuals affected with CDKN2A (p16INK4a)-related conditions. ClinVar contains an entry for this variant (Variation ID: 220344). An algorithm developed to predict the effect of missense changes on protein structure and function (PolyPhen-2) suggests that this variant is likely to be disruptive. Experimental studies have shown that this missense change affects CDKN2A (p16INK4a) function (PMID: 35001868). In summary, the available evidence is currently insufficient to determine the role of this variant in disease. Therefore, it has been classified as a Variant of Uncertain Significance.

Ambry Genetics
Classification: Uncertain significance for Hereditary cancer-predisposing syndrome. Last evaluated: 2024-04-26. Review status: criteria provided, single submitter. Criteria: Ambry Variant Classification Scheme 2023. Collection method: clinical testing. Allele origin: germline.
Comment: The p.A20G variant (also known as c.59C>G), located in coding exon 1 of the CDKN2A gene, results from a C to G substitution at nucleotide position 59. The alanine at codon 20 is replaced by glycine, an amino acid with similar properties. A functional study reported this variant as potentially deleterious based on in-vitro assessment of impact on proliferation in human pancreatic cancer cell lines (Kimura H et al. Elife, 2022 Jan;11). This amino acid position is well conserved in available vertebrate species. In addition, the in silico prediction for this alteration is inconclusive. Based on the available evidence, the clinical significance of this variant remains unclear.

Color Diagnostics, LLC DBA Color Health
Classification: Uncertain significance for Hereditary cancer-predisposing syndrome. Last evaluated: 2022-02-14. Review status: criteria provided, single submitter. Criteria: ACMG Guidelines, 2015. Collection method: clinical testing. Allele origin: germline.
Comment: The CDKN2A locus encodes two different gene products, p16INK4a and p14ARF. This missense variant replaces alanine with glycine at codon 20 in the ankyrin repeat domain of the CDKN2A (p16INK4A) protein. Computational prediction suggests that this variant may not impact protein structure and function (internally defined REVEL score threshold <= 0.5, PMID: 27666373). This variant has not been reported in individuals affected with hereditary cancer in the literature. This variant has been identified in 1/231932 chromosomes in the general population by the Genome Aggregation Database (gnomAD). Functional studies have reported that this variant causes a loss of CDKN2A (p16INK4A) function in cell proliferation assays and cell cycle analysis using CDKN2A-null cell lines (PMID: 35001868). Although there is a suspicion for a pathogenic role, the available clinical evidence is insufficient to determine the role of this variant in disease conclusively. Therefore, this variant is classified as a Variant of Uncertain Significance.

GeneDx
Classification: Uncertain significance. Last evaluated: 2016-10-19. Review status: criteria provided, single submitter. Criteria: GeneDx Variant Classification (06012015). Collection method: clinical testing. Allele origin: germline. Affected: yes.
Comment: This variant is denoted CDKN2A c.59C>G at the cDNA level, p.Ala20Gly (A20G) at the protein level, and results in the change of an Alanine to a Glycine (GCG>GGG). This variant has not, to our knowledge, been published in the literature as pathogenic or benign. CDKN2A Ala20Gly was not observed in approximately 6,500 individuals of European and African American ancestry in the NHLBI Exome Sequencing Project, suggesting it is not a common benign variant in these populations. Since Alanine and Glycine share similar properties, this is considered a conservative amino acid substitution. CDKN2A Ala20Gly occurs at a position that is conserved across species and is located within the ANK 1 repeat (UniProt). In silico analyses predict that this variant is probably damaging to protein structure and function. Based on currently available evidence, it is unclear whether CDKN2A Ala20Gly is a pathogenic or benign variant. We consider it to be a variant of uncertain significance.

Literature cited by the submitters: PubMed 35001868 (cited by 3 submitters).